The following is an entry in ClinVar:

NM_024675.4(PALB2):c.515C>G (p.Ser172Cys)

Gene: PALB2 (partner and localizer of BRCA2; minus strand). Cytogenetic location: 16p12.2.
Variant type: single nucleotide variant.
Coding change: c.515C>G on transcript NM_024675.4 (MANE Select); coding-DNA position 515, C replaced by G.
Protein change: p.Ser172Cys; replaces serine 172 with cysteine.
Molecular consequence: missense variant. On other transcripts: 5 prime UTR variant (8), intron variant (3).
Genome position (GRCh38, 1-based): chr16:23,636,031, G>C on the plus strand (C>G on the coding strand, the complement: PALB2 is on the minus strand). VCF-style: chr16-23636031-G-C. GRCh37 (hg19) VCF-style: chr16-23647352-G-C.
Other names: c.455C>G, p.Ser152Cys (NM_001407296.1); c.515C>G, p.Ser172Cys (NM_001407297.1, NM_001407298.1, NM_001407299.1 and 3 more transcripts); c.-371C>G (NM_001407304.1, NM_001407305.1, NM_001407306.1 and 5 more transcripts); c.48+5079C>G (NM_001407314.1); c.-105+5079C>G (NM_001407313.1, NM_001407312.1); short protein forms S152C, S172C.
Identifiers: ClinVar variation 3240013 (VCV003240013.3), dbSNP rs1597099026.

ClinVar aggregate classification (germline): Uncertain significance. Review status: criteria provided, multiple submitters, no conflicts (2 of 4 stars). 2 submissions from 2 submitters: Uncertain significance (2). Last evaluated 2024-05-11.

Conditions:
Familial cancer of breast. Also called: BREAST CANCER, FAMILIAL; Hereditary breast cancer; hereditary breast carcinoma. Identifiers: Orphanet 227535, MedGen C0346153, MONDO:0016419, OMIM 114480. Disease mechanism: loss of function.

Allele frequency attached by ClinVar (database versions not stated): gnomAD exomes below 0.00001.
gnomAD v4.1: 1 of 1,614,072 alleles (0.000062%); highest among the groups gnomAD compares: South Asian, 0.0011%; no homozygotes.

Submissions (2):

Labcorp Genetics (formerly Invitae), Labcorp
Classification: Uncertain significance for Familial cancer of breast. Last evaluated: 2024-05-11. Review status: criteria provided, single submitter. Criteria: Invitae Variant Classification Sherloc (09022015). Collection method: clinical testing. Allele origin: germline.
Comment: This sequence change replaces serine, which is neutral and polar, with cysteine, which is neutral and slightly polar, at codon 172 of the PALB2 protein (p.Ser172Cys). This variant is not present in population databases (gnomAD no frequency). This variant has not been reported in the literature in individuals affected with PALB2-related conditions. An algorithm developed to predict the effect of missense changes on protein structure and function (PolyPhen-2) suggests that this variant is likely to be disruptive. In summary, the available evidence is currently insufficient to determine the role of this variant in disease. Therefore, it has been classified as a Variant of Uncertain Significance.

Baylor Genetics
Classification: Uncertain significance for Familial cancer of breast. Last evaluated: 2023-12-30. Review status: criteria provided, single submitter. Criteria: ACMG Guidelines, 2015. Collection method: clinical testing. Allele origin: unknown.